The following is an entry in ClinVar:

NM_177438.3(DICER1):c.5213C>T (p.Ala1738Val)

Gene: DICER1 (dicer 1, ribonuclease III; minus strand). Cytogenetic location: 14q32.13.
Variant type: single nucleotide variant.
Coding change: c.5213C>T on transcript NM_177438.3 (MANE Select); coding-DNA position 5213, C replaced by T.
Protein change: p.Ala1738Val; replaces alanine 1738 with valine.
Molecular consequence: missense variant.
Genome position (GRCh38, 1-based): chr14:95,094,039, G>A on the plus strand (C>T on the coding strand, the complement: DICER1 is on the minus strand). VCF-style: chr14-95094039-G-A. GRCh37 (hg19) VCF-style: chr14-95560376-G-A.
Other names: c.5213C>T, p.Ala1738Val (NM_001195573.1, NM_001271282.3, NM_001291628.2 and 1 more transcripts); short protein forms A1738V.
Identifiers: ClinVar variation 841855 (VCV000841855.11), dbSNP rs1890085554, ClinGen allele CA390865200.
Genomic context (GRCh38, chr14:95,094,039, plus strand): 5'-AAGTACTTGTGGTAGTCGTACTTTACAGCCAGCGATGCAAAGATGGTGTTGTTGACCAGG[G>A]CAGACCGCAGGTCTGTCAGGACCCCCGGGGAGTGCTGCCGCGGGTCTTCATAAAGGTGCT-3'
Protein context (NP_803187.1, residues 1728-1748): SPGVLTDLRS[Ala1738Val]LVNNTIFASL

ClinVar aggregate classification (germline): Uncertain significance (1 of 4 stars; one submission).

Conditions:
DICER1-related tumor predisposition. Also called: DICER1 syndrome; DICER1-related pleuropulmonary blastoma cancer predisposition syndrome. Identifiers: Orphanet 284343, MedGen C3839822, MONDO:0100216.

Submission:

Labcorp Genetics (formerly Invitae), Labcorp
Classification: Uncertain significance for DICER1-related tumor predisposition. Last evaluated: 2019-02-24. Review status: criteria provided, single submitter. Criteria: Invitae Variant Classification Sherloc (09022015). Collection method: clinical testing. Allele origin: germline.
Comment: In summary, the available evidence is currently insufficient to determine the role of this variant in disease. Therefore, it has been classified as a Variant of Uncertain Significance. Algorithms developed to predict the effect of missense changes on protein structure and function (SIFT, PolyPhen-2, Align-GVGD) all suggest that this variant is likely to be disruptive, but these predictions have not been confirmed by published functional studies and their clinical significance is uncertain. This variant has not been reported in the literature in individuals with DICER1-related conditions. This variant is not present in population databases (ExAC no frequency). This sequence change replaces alanine with valine at codon 1738 of the DICER1 protein (p.Ala1738Val). The alanine residue is highly conserved and there is a small physicochemical difference between alanine and valine.